The following is an entry in ClinVar:

NM_005477.3(HCN4):c.775A>G (p.Ser259Gly)

Gene: HCN4 (hyperpolarization activated cyclic nucleotide gated potassium channel 4; minus strand). Cytogenetic location: 15q24.1.
Variant type: single nucleotide variant.
Coding change: c.775A>G on transcript NM_005477.3 (MANE Select); coding-DNA position 775, A replaced by G.
Protein change: p.Ser259Gly; replaces serine 259 with glycine.
Molecular consequence: missense variant.
Genome position (GRCh38, 1-based): chr15:73,367,496, T>C on the plus strand (A>G on the coding strand, the complement: HCN4 is on the minus strand). VCF-style: chr15-73367496-T-C. GRCh37 (hg19) VCF-style: chr15-73659837-T-C.
Other names: short protein forms S259G.
Identifiers: ClinVar variation 581556 (VCV000581556.8), dbSNP rs1567801364, ClinGen allele CA393096963.

ClinVar aggregate classification (germline): Uncertain significance (1 of 4 stars; one submission).

Conditions:
Brugada syndrome 8 (BRGDA8). Identifiers: Orphanet 130, MedGen C2751083, MONDO:0013148, OMIM 613123.

Submission:

Labcorp Genetics (formerly Invitae), Labcorp
Classification: Uncertain significance for Brugada syndrome 8. Last evaluated: 2018-06-28. Review status: criteria provided, single submitter. Criteria: Invitae Variant Classification Sherloc (09022015). Collection method: clinical testing. Allele origin: germline.
Comment: In summary, the available evidence is currently insufficient to determine the role of this variant in disease. Therefore, it has been classified as a Variant of Uncertain Significance. Algorithms developed to predict the effect of missense changes on protein structure and function are either unavailable or do not agree on the potential impact of this missense change (SIFT: "Deleterious"; Align-GVGD: "Class C0"). This variant has not been reported in the literature in individuals with HCN4-related disease. This variant is not present in population databases (ExAC no frequency). This sequence change replaces serine with glycine at codon 259 of the HCN4 protein (p.Ser259Gly). The serine residue is highly conserved and there is a small physicochemical difference between serine and glycine.